The following is an entry in ClinVar:

ClinVar aggregate classification (germline): Benign (0 of 4 stars; one submission).

Conditions:
MYO9A-related disorder. Also called: MYO9A-related condition.

Allele frequency attached by ClinVar (database versions not stated): 1000 Genomes Project 0.01278; 1000 Genomes Project 30x 0.01280; gnomAD 0.02499; TOPMed 0.02510; ExAC 0.02596; ESP Exome Variant Server 0.02756; gnomAD exomes 0.03164.
gnomAD v4.1: 50,000 of 1,613,752 alleles (3.1%); highest among the groups gnomAD compares: Non-Finnish European, 3.7%; 932 homozygotes.

Submission:

PreventionGenetics, part of Exact Sciences
Classification: Benign for MYO9A-related condition. Last evaluated: 2019-06-24. Review status: no assertion criteria provided. Collection method: clinical testing. Allele origin: germline.
Comment: This variant is classified as benign based on ACMG/AMP sequence variant interpretation guidelines (Richards et al. 2015 PMID: 25741868, with internal and published modifications).

NM_006901.4(MYO9A):c.4084T>C (p.Ser1362Pro)

Gene: MYO9A (myosin IXA; minus strand). Cytogenetic location: 15q23.
Variant type: single nucleotide variant.
Coding change: c.4084T>C on transcript NM_006901.4 (MANE Select); coding-DNA position 4084, T replaced by C.
Protein change: p.Ser1362Pro; replaces serine 1362 with proline.
Molecular consequence: missense variant.
Genome position (GRCh38, 1-based): chr15:71,898,419, A>G on the plus strand (T>C on the coding strand, the complement: MYO9A is on the minus strand). VCF-style: chr15-71898419-A-G. GRCh37 (hg19) VCF-style: chr15-72190760-A-G.
Other names: short protein forms S1362P.
Identifiers: ClinVar variation 3037532 (VCV003037532.2), dbSNP rs55738821, ClinGen allele CA7641467.